The following is an entry in ClinVar:

ClinVar aggregate classification (germline): Benign/Likely benign. Review status: criteria provided, multiple submitters, no conflicts (2 of 4 stars). 9 submissions from 9 submitters: Benign (7); Likely benign (1). 1 of the submissions does not count toward it. Last evaluated 2026-02-04.

Conditions:
Nemaline myopathy 2 (NEM2). Also called: Nemaline myopathy 2, autosomal recessive. Identifiers: MedGen C1850569, MONDO:0009725, OMIM 256030.

Allele frequency attached by ClinVar (database versions not stated): gnomAD 0.00079 and 0.00100; TOPMed 0.00110; gnomAD exomes 0.00212; ExAC 0.00221; 1000 Genomes Project 30x 0.00375; 1000 Genomes Project 0.00399.
gnomAD v4.1: 973 of 1,613,362 alleles (0.06%); highest among the groups gnomAD compares: East Asian, 2%; 9 homozygotes.

Submissions (9):

Labcorp Genetics (formerly Invitae), Labcorp
Classification: Benign for Nemaline myopathy 2. Last evaluated: 2026-02-04. Review status: criteria provided, single submitter. Criteria: Invitae Variant Classification Sherloc (09022015). Collection method: clinical testing. Allele origin: germline.

Blueprint Genetics
Classification: Likely benign. Last evaluated: 2024-11-01. Review status: criteria provided, single submitter. Criteria: ACMG Guidelines, 2015. Collection method: clinical testing. Allele origin: germline.

Athena Diagnostics
Classification: Benign. Last evaluated: 2021-05-05. Review status: criteria provided, single submitter. Criteria: Athena Diagnostics criteria. Collection method: clinical testing. Allele origin: unknown.

Mayo Clinic Laboratories, Mayo Clinic
Classification: Benign. Last evaluated: 2021-02-17. Review status: criteria provided, single submitter. Criteria: ACMG Guidelines, 2015. Collection method: clinical testing. Allele origin: germline. Observed: 3 variant alleles.

GeneDx
Classification: Benign. Last evaluated: 2019-02-21. Review status: criteria provided, single submitter. Criteria: GeneDx Variant Classification Process June 2021. Collection method: clinical testing. Allele origin: germline. Affected: yes.

Illumina Laboratory Services, Illumina
Classification: Benign for Nemaline myopathy 2. Last evaluated: 2018-01-12. Review status: criteria provided, single submitter. Criteria: ICSL Variant Classification Criteria 13 December 2019. Collection method: clinical testing. Allele origin: germline.
Comment: This variant was observed in the ICSL laboratory as part of a predisposition screen in an ostensibly healthy population. It had not been previously curated by ICSL or reported in the Human Gene Mutation Database (HGMD: prior to June 1st, 2018), and was therefore a candidate for classification through an automated scoring system. Utilizing variant allele frequency, disease prevalence and penetrance estimates, and inheritance mode, an automated score was calculated to assess if this variant is too frequent to cause the disease. Based on the score and internal cut-off values, a variant classified as benign is not then subjected to further curation. The score for this variant resulted in a classification of benign for this disease.

Eurofins Ntd Llc (ga)
Classification: Benign. Last evaluated: 2014-11-06. Review status: criteria provided, single submitter. Criteria: EGL Classification Definitions 2015. Collection method: clinical testing. Allele origin: germline. Observed: 1 variant allele, 1 heterozygote.

PreventionGenetics, part of Exact Sciences
Classification: Benign. Review status: criteria provided, single submitter. Criteria: ACMG Guidelines, 2015. Collection method: clinical testing. Allele origin: germline.

Natera, Inc.
Classification: Benign for Nemaline myopathy type 2. Last evaluated: 2019-11-11. Review status: no assertion criteria provided. Collection method: clinical testing. Allele origin: germline. Not counted in ClinVar's aggregate classification.

NM_001164508.2(NEB):c.17887G>A (p.Val5963Ile)

Gene: NEB (nebulin; minus strand). Cytogenetic location: 2q23.3.
Variant type: single nucleotide variant.
Coding change: c.17887G>A on transcript NM_001164508.2 (MANE Select); coding-DNA position 17887, G replaced by A.
Protein change: p.Val5963Ile; replaces valine 5963 with isoleucine.
Molecular consequence: missense variant.
Genome position (GRCh38, 1-based): chr2:151,567,437, C>T on the plus strand (G>A on the coding strand, the complement: NEB is on the minus strand). VCF-style: chr2-151567437-C-T. GRCh37 (hg19) VCF-style: chr2-152423951-C-T.
Other names: p.Val5963Ile; c.17887G>A, p.Val5963Ile (NM_001164507.2, NM_001271208.2); c.12784G>A, p.Val4262Ile (NM_004543.5); short protein forms V5963I, V4262I.
Identifiers: ClinVar variation 198967 (VCV000198967.28), dbSNP rs138217960, ClinGen allele CA203688.